The following is an entry in ClinVar:

ClinVar aggregate classification (germline): Pathogenic. Review status: criteria provided, multiple submitters, no conflicts (2 of 4 stars). 13 submissions from 13 submitters: Pathogenic (12). 1 of the submissions does not count toward it. Last evaluated 2026-09-14.

Conditions:
MYO15A-related disorder. Also called: MYO15A-related condition.
Intellectual disability. Also called: intellectual disabilities; Intellectual functioning disability; Intellectual developmental disorder. Identifiers: MedGen C3714756, MeSH D008607, MONDO:0001071, HP:0001249.
Monogenic hearing loss.
Rare genetic deafness. Identifiers: Orphanet 96210, MedGen C5680250.
Congenital sensorineural hearing impairment. Identifiers: MedGen C1865866, HP:0008527.
Autosomal recessive nonsyndromic hearing loss 3. Also called: NEUROSENSORY NONSYNDROMIC RECESSIVE DEAFNESS 3. Identifiers: Orphanet 90636, MedGen C1838263, MONDO:0010860, OMIM 600316.

Submissions (13):

Genetics Laboratory, Great Ormond Street Hospital NHS Foundation Trust, North Thames Genomic Laboratory Hub
Classification: Pathogenic for Monogenic hearing loss. Last evaluated: 2026-09-14. Review status: criteria provided, single submitter. Criteria: ACGS Best Practice Guidelines for Variant Classification in Rare Disease 2024 v1.2. Collection method: clinical testing. Allele origin: germline. Affected: yes.
Comment: PVS1_very-strong, PM3_very-strong

Labcorp Genetics (formerly Invitae), Labcorp
Classification: Pathogenic. Last evaluated: 2026-01-05. Review status: criteria provided, single submitter. Criteria: Invitae Variant Classification Sherloc (09022015). Collection method: clinical testing. Allele origin: germline.
Comment: This sequence change creates a premature translational stop signal (p.Asp2375Valfs*41) in the MYO15A gene. It is expected to result in an absent or disrupted protein product. Loss-of-function variants in MYO15A are known to be pathogenic (PMID: 17546645). This variant is present in population databases (rs780170125, gnomAD 0.009%). This premature translational stop signal has been observed in individual(s) with non-syndromic deafness (PMID: 24875298, 26969326, 32860223). ClinVar contains an entry for this variant (Variation ID: 435919). For these reasons, this variant has been classified as Pathogenic.

Women's Health and Genetics/Laboratory Corporation of America, LabCorp
Classification: Pathogenic for Autosomal recessive nonsyndromic hearing loss 3. Last evaluated: 2025-04-09. Review status: criteria provided, single submitter. Criteria: LabCorp Variant Classification Summary - May 2015. Collection method: clinical testing. Allele origin: germline.
Comment: Variant summary: MYO15A c.7124_7127delACAG (p.Asp2375ValfsX41) results in a premature termination codon, predicted to cause absence of the protein due to nonsense mediated decay, which is a commonly known mechanism for disease. The variant allele was found at a frequency of 4e-05 in 249582 control chromosomes. This frequency is not significantly higher than estimated for a pathogenic variant in MYO15A causing Autosomal Recessive Nonsyndromic Hearing Loss 3, allowing no conclusion about variant significance. c.7124_7127delACAG has been reported in the literature in at-least one individual affected with Autosomal Recessive Nonsyndromic Hearing Loss 3 (example, Sloan-Heggen_2016). To our knowledge, no experimental evidence demonstrating an impact on protein function has been reported. The following publication has been ascertained in the context of this evaluation (PMID: 26969326). ClinVar contains an entry for this variant (Variation ID: 435919). Based on the evidence outlined above, the variant was classified as pathogenic.

Blueprint Genetics
Classification: Pathogenic for MYO15A-related disorders. Last evaluated: 2024-03-26. Review status: criteria provided, single submitter. Criteria: ACMG Guidelines, 2015. Collection method: clinical testing. Allele origin: germline. Affected: yes. Observed: 5 variant alleles.

Fulgent Genetics
Classification: Pathogenic for Autosomal recessive nonsyndromic hearing loss 3. Last evaluated: 2024-01-16. Review status: criteria provided, single submitter. Criteria: ACMG Guidelines, 2015. Collection method: clinical testing. Allele origin: germline.

GeneDx
Classification: Pathogenic. Last evaluated: 2023-03-02. Review status: criteria provided, single submitter. Criteria: GeneDx Variant Classification Process June 2021. Collection method: clinical testing. Allele origin: germline. Affected: yes.
Comment: Frameshift variant predicted to result in protein truncation or nonsense mediated decay in a gene for which loss-of-function is a known mechanism of disease; Observed in 0.0043% (12/280936 alleles) in large population cohorts (gnomAD); This variant is associated with the following publications: (PMID: 24875298, 26969326, 32860223)

Department of Pathology and Laboratory Medicine, Sinai Health System
Classification: Pathogenic for Autosomal recessive nonsyndromic hearing loss 3. Last evaluated: 2022-02-18. Review status: criteria provided, single submitter. Criteria: ACMG Guidelines, 2015. Collection method: research. Allele origin: germline.

Victorian Clinical Genetics Services, Murdoch Childrens Research Institute
Classification: Pathogenic for Autosomal recessive nonsyndromic hearing loss 3. Last evaluated: 2020-05-04. Review status: criteria provided, single submitter. Criteria: ACMG Guidelines, 2015. Collection method: clinical testing. Allele origin: germline. Inheritance: Autosomal recessive inheritance. Affected: yes.
Comment: Based on the classification scheme VCGS_Germline_v1.1.1, this variant is classified as Pathogenic. Following criteria are met: 0102 - Loss-of-function is a known mechanism of disease for this gene. (N) 0106 - This gene is known to be associated with autosomal recessive disease. (N) 0201 - Variant is predicted to cause nonsense-mediated decay (NMD) and loss of protein (exon 35 of 66). (P) 0251 - Variant is heterozygous. (N) 0304 - Variant is present in gnomAD <0.01 for a recessive condition (12 heterozygotes, 0 homozygotes). (P) 0701 - Comparable variants have very strong previous evidence for pathogenicity. More than 10 NMD-predicted variants have been reported as likely pathogenic/pathogenic (ClinVar). (P) 0802 - Moderate previous evidence of pathogenicity in unrelated individuals. This variant has been reported in at least 3 unrelated patients with hearing loss (ClinVar, PMID: 24875298). (P) 1007 - No published functional evidence has been identified for this variant. (N) Legend: (P) - Pathogenic, (N) - Neutral, (B) - Benign

Cambridge Genomics Laboratory, East Genomic Laboratory Hub, NHS Genomic Medicine Service
Classification: Pathogenic for Intellectual disability. Last evaluated: 2019-09-11. Review status: criteria provided, single submitter. Criteria: ACGS Best Practice Guidelines for Variant Classification in Rare Disease 2020. Collection method: clinical testing. Allele origin: germline. Affected: yes. Observed: 1 variant allele.

Laboratory for Molecular Medicine, Mass General Brigham Personalized Medicine
Classification: Pathogenic for Rare genetic deafness. Last evaluated: 2017-08-17. Review status: criteria provided, single submitter. Criteria: LMM Criteria. Collection method: clinical testing. Allele origin: germline. Inheritance: Autosomal recessive inheritance. Observed: 2 variant alleles.
Comment: The p.Asp2375fs variant in MYO15A has been previously reported in two individual s with hearing loss who also had a second variant on the remaining copy of MYO15 A (Vona 2014, Sloan-Heggen 2015). This variant has also been identified in 11/1 26686 European chromosomes by the Genome Aggregation Database (gnomAD; dbSNP rs763553435). Although this variant has been see n in the general population, its frequency is low enough to be consistent with a recessive carrier frequency. This variant is predicted to cause a frameshift, w hich alters the protein?s amino acid sequence beginning at position 2375 and lea ds to a premature termination codon 41 amino acids downstream. This alteration i s then predicted to lead to a truncated or absent protein. Loss of function of the MYO15A gene is an established disease mechanism in autosomal recessive nonsy ndromic sensorineural hearing loss. In summary, this variant meets criteria to b e classified as pathogenic for autosomal recessive hearing loss based on the pre dicted impact on the protein, compound heterozygosity in multiple affected indiv iduals, and low allele frequency in the general population consistent with a rec essive carrier frequency.

Centre for Mendelian Genomics, University Medical Centre Ljubljana
Classification: Pathogenic for Congenital sensorineural hearing impairment. Last evaluated: 2017-01-01. Review status: criteria provided, single submitter. Criteria: ACMG Guidelines, 2015. Collection method: clinical testing. Allele origin: unknown. Affected: yes.

Genetic Services Laboratory, University of Chicago
Classification: Pathogenic for Deafness, autosomal recessive 3. Last evaluated: 2016-08-25. Review status: criteria provided, single submitter. Criteria: ACMG Guidelines, 2015. Collection method: clinical testing. Allele origin: germline. Affected: yes.

PreventionGenetics, part of Exact Sciences
Classification: Pathogenic for MYO15A-related condition. Last evaluated: 2024-03-11. Review status: no assertion criteria provided. Collection method: clinical testing. Allele origin: germline. Not counted in ClinVar's aggregate classification.
Comment: The MYO15A c.7124_7127delACAG variant is predicted to result in a frameshift and premature protein termination (p.Asp2375Valfs*41). This variant has been reported as causative for autosomal recessive nonsyndromic hearing loss (Table S3, Sloan-Heggen et al. 2016. PubMed ID: 26969326; Table S1, Safka Brozkova et al. 2020. PubMed ID: 32860223; Vona et al. 2014. PubMed ID: 24875298). This variant is reported in 0.0085% of alleles in individuals of European (Non-Finnish) descent in gnomAD. Frameshift variants in MYO15A are expected to be pathogenic. This variant is interpreted as pathogenic.

Literature cited by the submitters: PubMed 17546645 (cited by Labcorp Genetics (formerly Invitae), Labcorp); PubMed 24875298 (cited by 3 submitters); PubMed 26969326 (cited by 3 submitters); PubMed 32860223 (cited by Labcorp Genetics (formerly Invitae), Labcorp).

NM_016239.4(MYO15A):c.7124_7127del (p.Asp2375fs)

Gene: MYO15A (myosin XVA; plus strand). Cytogenetic location: 17p11.2.
Variant type: Deletion.
Coding change: c.7124_7127del on transcript NM_016239.4 (MANE Select); coding-DNA positions 7124 to 7127, 4 bases deleted (ACAG; older notation c.7124_7127delACAG).
Protein change: p.Asp2375fs; shifts the reading frame from aspartic acid 2375.
Molecular consequence: frameshift variant.
Genome position (GRCh38, 1-based): chr17:18,149,492-18,149,495, ACAG deleted; deleting any 4 consecutive bases within chr17:18,149,489-18,149,495 gives the same sequence; the c. name uses the placement nearest the transcript's 3' end. VCF-style (leftmost placement, unchanged base first): chr17-18149488-TCAGA-T. GRCh37 (hg19) VCF-style: chr17-18052802-TCAGA-T.
Other names: c.7124_7127delACAG (NM_016239.4); short protein forms D2375fs.
Identifiers: ClinVar variation 435919 (VCV000435919.30), dbSNP rs780170125, ClinGen allele CA8424746.